The following is an entry in ClinVar:

NM_001083961.2(WDR62):c.4006G>A (p.Ala1336Thr)

Gene: WDR62 (WD repeat domain 62; plus strand). Cytogenetic location: 19q13.12.
Variant type: single nucleotide variant.
Coding change: c.4006G>A on transcript NM_001083961.2 (MANE Select); coding-DNA position 4006, G replaced by A.
Protein change: p.Ala1336Thr; replaces alanine 1336 with threonine.
Molecular consequence: missense variant.
Genome position (GRCh38, 1-based): chr19:36,103,834, G>A. VCF-style: chr19-36103834-G-A. GRCh37 (hg19) VCF-style: chr19-36594736-G-A.
Other names: c.3991G>A, p.Ala1331Thr (NM_173636.5); short protein forms A1336T, A1331T.
Identifiers: ClinVar variation 423647 (VCV000423647.5), dbSNP rs150966716, ClinGen allele CA9396441.

ClinVar aggregate classification (germline): Conflicting classifications of pathogenicity. Review status: criteria provided, conflicting classifications (1 of 4 stars). 2 submissions from 2 submitters: Uncertain significance (1); Likely benign (1). Last evaluated 2022-12-21.

Conditions:
Inborn genetic diseases. Identifiers: MedGen C0950123, MeSH D030342.

Allele frequency attached by ClinVar (database versions not stated): 1000 Genomes Project 0.00040; TOPMed 0.00003; ExAC 0.00009; 1000 Genomes Project 30x 0.00031.

Submissions (2):

Ambry Genetics
Classification: Likely benign for Inborn genetic diseases. Last evaluated: 2022-12-21. Review status: criteria provided, single submitter. Criteria: Ambry Variant Classification Scheme 2023. Collection method: clinical testing. Allele origin: germline.

GeneDx
Classification: Uncertain significance. Last evaluated: 2017-02-21. Review status: criteria provided, single submitter. Criteria: GeneDx Variant Classification (06012015). Collection method: clinical testing. Allele origin: germline. Affected: yes.
Comment: A variant of uncertain significance has been identified in the WDR62 gene. The A1336T variant has not been published as a pathogenic variant, nor has it been reported as a benign variant to our knowledge. The A1336T variant is not observed at a significant frequency in large population cohorts (Lek et al., 2016; 1000 Genomes Consortium et al., 2015; Exome Variant Server). The A1336T variant is a non-conservative amino acid substitution, which is likely to impact secondary protein structure as these residues differ in polarity, charge, size and/or other properties. However, this substitution occurs at a position that is not conserved. In silico analysis predicts this variant likely does not alter the protein structure/function. Therefore, based on the currently available information, it is unclear whether this variant is a pathogenic variant or a rare benign variant.